The following is an entry in ClinVar:

ClinVar aggregate classification (germline): Uncertain significance. Review status: criteria provided, multiple submitters, no conflicts (2 of 4 stars). 2 submissions from 2 submitters: Uncertain significance (2). Last evaluated 2024-08-16.

Conditions:
Landau-Kleffner syndrome (FESD). Also called: EPILEPSY, FOCAL, WITH SPEECH DISORDER AND WITH OR WITHOUT MENTAL RETARDATION; APHASIA, ACQUIRED, WITH EPILEPSY. Identifiers: Orphanet 1945, Orphanet 725, Orphanet 98818, MedGen C0282512, MONDO:0009509, OMIM 245570.

Submissions (2):

GeneDx
Classification: Uncertain significance. Last evaluated: 2024-08-16. Review status: criteria provided, single submitter. Criteria: GeneDx Variant Classification Process June 2021. Collection method: clinical testing. Allele origin: germline. Affected: yes.
Comment: Not observed at significant frequency in large population cohorts (gnomAD); In silico analysis indicates that this missense variant does not alter protein structure/function; Has not been previously published as pathogenic or benign to our knowledge

Labcorp Genetics (formerly Invitae), Labcorp
Classification: Uncertain significance for Landau-Kleffner syndrome. Last evaluated: 2022-10-05. Review status: criteria provided, single submitter. Criteria: Invitae Variant Classification Sherloc (09022015). Collection method: clinical testing. Allele origin: germline.
Comment: This variant is not present in population databases (gnomAD no frequency). This sequence change replaces serine, which is neutral and polar, with arginine, which is basic and polar, at codon 1204 of the GRIN2A protein (p.Ser1204Arg). This variant has not been reported in the literature in individuals affected with GRIN2A-related conditions. In summary, the available evidence is currently insufficient to determine the role of this variant in disease. Therefore, it has been classified as a Variant of Uncertain Significance. Advanced modeling of protein sequence and biophysical properties (such as structural, functional, and spatial information, amino acid conservation, physicochemical variation, residue mobility, and thermodynamic stability) performed at Invitae indicates that this missense variant is not expected to disrupt GRIN2A protein function.

NM_001134407.3(GRIN2A):c.3612C>G (p.Ser1204Arg)

Gene: GRIN2A (glutamate ionotropic receptor NMDA type subunit 2A; minus strand). Cytogenetic location: 16p13.2.
Variant type: single nucleotide variant.
Coding change: c.3612C>G on transcript NM_001134407.3 (MANE Select); coding-DNA position 3612, C replaced by G.
Protein change: p.Ser1204Arg; replaces serine 1204 with arginine.
Molecular consequence: missense variant.
Genome position (GRCh38, 1-based): chr16:9,763,932, G>C on the plus strand (C>G on the coding strand, the complement: GRIN2A is on the minus strand). VCF-style: chr16-9763932-G-C. GRCh37 (hg19) VCF-style: chr16-9857789-G-C.
Other names: c.3612C>G, p.Ser1204Arg (NM_000833.5, NM_001134408.2); c.3612C>G (NM_000833.3); short protein forms S1204R.
Identifiers: ClinVar variation 2099930 (VCV002099930.4), dbSNP rs796052558, ClinGen allele CA394707242.
Genomic context (GRCh38, chr16:9,763,932, plus strand): 5'-ATAGGTGGGCATGTTGGAAAGGCAGCTTCTGCAGTGCGTGGAGTTCTGCCGGTATCGCTC[G>C]CTGGTCTCACTGTGCGGGGAACCCTTGTCTTTCAAGGTGAAGTGCTTGGAGTAGAGTTTA-3'
Protein context (NP_001127879.1, residues 1194-1214): KDKGSPHSET[Ser1204Arg]ERYRQNSTHC